The following is an entry in ClinVar:

ClinVar aggregate classification (germline): Conflicting classifications of pathogenicity. Review status: criteria provided, conflicting classifications (1 of 4 stars). 8 submissions from 8 submitters: Pathogenic (2); Likely pathogenic (4); Uncertain significance (1). 1 of the submissions does not count toward it. Last evaluated 2026-02-21.

Conditions:
ERCC2-related disorder. Also called: ERCC2-related disorders; ERCC2-related conditions; ERCC2-related condition. Identifiers: MedGen CN239291.
Cerebrooculofacioskeletal syndrome 2 (COFS2). Identifiers: MedGen C1853102, MONDO:0012553, OMIM 610756.
Inborn genetic diseases. Identifiers: MedGen C0950123, MeSH D030342.

Allele frequency attached by ClinVar (database versions not stated): gnomAD 0.00001; gnomAD exomes 0.00001 and 0.00002; TOPMed 0.00003.
gnomAD v4.1: 22 of 1,613,994 alleles (0.0014%); highest among the groups gnomAD compares: Non-Finnish European, 0.0017%; no homozygotes.

Submissions (8):

GeneDx
Classification: Likely pathogenic. Last evaluated: 2026-02-21. Review status: criteria provided, single submitter. Criteria: GeneDx Variant Classification Process June 2021. Collection method: clinical testing. Allele origin: germline.
Comment: Has been reported in at least three patients with of features of ERCC2-related impaired nucleotide-excision repair disorder who harbored a second variant in the ERCC2 gene, but it is not known whether the variants occurred on the same (in cis) or on different (in trans) chromosomes (PMID: 18470933, 23232694, 23276657); In silico analysis supports that this missense variant has a deleterious effect on protein structure/function; This variant is associated with the following publications: (PMID: 18510924, 23232694, 11156600, 31253769, 10467415, 18510925, 18578568, 23276657, 20840796, 18470933, 26996949, 22617342, 22234153, 12488584, 28749383, 27085493, 11443545, 31589614, 39148954, 36310088)

Labcorp Genetics (formerly Invitae), Labcorp
Classification: Pathogenic. Last evaluated: 2025-10-03. Review status: criteria provided, single submitter. Criteria: Invitae Variant Classification Sherloc (09022015). Collection method: clinical testing. Allele origin: germline.
Comment: This sequence change replaces aspartic acid, which is acidic and polar, with asparagine, which is neutral and polar, at codon 681 of the ERCC2 protein (p.Asp681Asn). This variant is present in population databases (rs121913023, gnomAD 0.004%). This missense change has been observed in individuals with ERCC2-related conditions (PMID: 11443545, 18470933, 23232694). ClinVar contains an entry for this variant (Variation ID: 16787). Invitae Evidence Modeling of protein sequence and biophysical properties (such as structural, functional, and spatial information, amino acid conservation, physicochemical variation, residue mobility, and thermodynamic stability) indicates that this missense variant is expected to disrupt ERCC2 protein function with a positive predictive value of 80%. This variant disrupts the p.Asp681 amino acid residue in ERCC2. Other variant(s) that disrupt this residue have been observed in individuals with ERCC2-related conditions (PMID: 22234153, 23800062, 28749383), which suggests that this may be a clinically significant amino acid residue. For these reasons, this variant has been classified as Pathogenic.

3billion
Classification: Likely pathogenic for ERCC2-related disorder. Last evaluated: 2025-09-15. Review status: criteria provided, single submitter. Criteria: ACMG Guidelines, 2015. Collection method: clinical testing. Allele origin: germline. Affected: yes.
Comment: The variant is observed at an extremely low frequency in the gnomAD v4.1.0 dataset (total allele frequency: 0.001%). Predicted Consequence/Location: Missense variant. The majority of the known disease-causing variants of this gene are variants expected to result in premature termination of the protein. In silico tool predictions suggest damaging effect of the variant on gene or gene product [REVEL: 0.90 (>=0.6, sensitivity 0.68 and specificity 0.92); 3Cnet: 0.98 (> 0.75, sensitivity 0.96 and precision 0.92)]. The same nucleotide change resulting in the same amino acid change has been previously reported as pathogenic/likely pathogenic with strong evidence (ClinVar ID: VCV000016787 /PMID: 11156600). Different missense changes at the same codon (p.Asp681Gly, p.Asp681His) have been reported to be associated with ERCC2-related disorder (PMID: 23800062, 28749383). Therefore, this variant is classified as Likely pathogenic according to the recommendation of ACMG/AMP guideline.

Dasa
Classification: Likely pathogenic. Last evaluated: 2025-06-23. Review status: criteria provided, single submitter. Criteria: DASA Assertion Criteria. Collection method: clinical testing. Allele origin: germline.
Comment: NM_000400.4(ERCC2):c.2041G>A (p.Asp681Asn) is a missense variant that results in the substitution of aspartic acid with asparagine. The affected residue or protein region has prior evidence supporting clinical relevance. This variant has been observed in affected individuals with ERCC2-related disorders. Also, this variant is rare in population databases. Computational evidence supports a deleterious effect. Based on the currently available evidence, this variant is classified as likely pathogenic.

Women's Health and Genetics/Laboratory Corporation of America, LabCorp
Classification: Uncertain significance. Last evaluated: 2025-06-05. Review status: criteria provided, single submitter. Criteria: LabCorp Variant Classification Summary - May 2015. Collection method: clinical testing. Allele origin: germline.
Comment: Variant summary: ERCC2 c.2041G>A (p.Asp681Asn) results in a conservative amino acid change located in the ATP-dependent helicase, C-terminal domain (IPR006555) of the encoded protein sequence. Algorithms developed to predict the effect of missense changes on protein structure and function are either unavailable or do not agree on the potential impact of this missense change. The variant allele was found at a frequency of 2e-05 in 251346 control chromosomes. c.2041G>A has been reported in the literature as a compound heterozygous genotype in at least one individual affected with Xeroderma Pigmentosum (example: Lehmann_2001, Boyle_2008), an individual with trichothiodystrophy (example: Zhou_2013), an individual with UV-sensitive COFS Syndrome (example: Graham_2001), and a fetus with ultrasound anomalies suggestive of COFS Syndrome (example: Sun_2023). These data indicate that the variant may be associated with disease. To our knowledge, no experimental evidence demonstrating an impact on protein function has been reported. The following publications have been ascertained in the context of this evaluation (PMID: 18470933, 11443545, 11156600, 36310088, 23232694). ClinVar contains an entry for this variant (Variation ID: 16787). Based on the evidence outlined above, the variant was classified as VUS-possibly pathogenic.

Ambry Genetics
Classification: Likely pathogenic for Inborn genetic diseases. Last evaluated: 2024-12-11. Review status: criteria provided, single submitter. Criteria: Ambry Variant Classification Scheme 2023. Collection method: clinical testing. Allele origin: germline.
Comment: The c.2041G>A (p.D681N) alteration is located in exon 21 (coding exon 21) of the ERCC2 gene. This alteration results from a G to A substitution at nucleotide position 2041, causing the aspartic acid (D) at amino acid position 681 to be replaced by an asparagine (N). Based on data from gnomAD, the A allele has an overall frequency of 0.002% (5/251346) total alleles studied. The highest observed frequency was 0.004% (5/113664) of European (non-Finnish) alleles. This variant has been identified in the homozygous state and/or in conjunction with other ERCC2 variant(s) in individual(s) with features consistent with ERCC2-related spectrum disorders (Graham, 2001; Boyle, 2008; Zhou, 2013; Tamura, 2012). This amino acid position is highly conserved in available vertebrate species. The in silico prediction for this alteration is inconclusive. Based on the available evidence, this alteration is classified as likely pathogenic.

Baylor Genetics
Classification: Pathogenic for Cerebrooculofacioskeletal syndrome 2. Last evaluated: 2024-03-08. Review status: criteria provided, single submitter. Criteria: ACMG Guidelines, 2015. Collection method: clinical testing. Allele origin: unknown.

OMIM
Classification: Pathogenic for CEREBROOCULOFACIOSKELETAL SYNDROME 2 (1 patient). Last evaluated: 2001-08-01. Review status: no assertion criteria provided. Collection method: literature only. Allele origin: germline. Not counted in ClinVar's aggregate classification.

Literature cited by the submitters: PubMed 11443545 (cited by 4 submitters); PubMed 18470933 (cited by 3 submitters); PubMed 23232694 (cited by 3 submitters); PubMed 22234153 (cited by Labcorp Genetics (formerly Invitae), Labcorp); PubMed 23800062 (cited by Labcorp Genetics (formerly Invitae), Labcorp and 3billion); PubMed 28749383 (cited by Labcorp Genetics (formerly Invitae), Labcorp); PubMed 11156600 (cited by 3billion and Women's Health and Genetics/Laboratory Corporation of America, LabCorp); PubMed 36310088 (cited by Women's Health and Genetics/Laboratory Corporation of America, LabCorp); PubMed 22617342 (cited by Ambry Genetics).

NM_000400.4(ERCC2):c.2041G>A (p.Asp681Asn)

Gene: ERCC2 (ERCC excision repair 2, TFIIH core complex helicase subunit; minus strand). Cytogenetic location: 19q13.32.
Variant type: single nucleotide variant.
Coding change: c.2041G>A on transcript NM_000400.4 (MANE Select); coding-DNA position 2041, G replaced by A.
Protein change: p.Asp681Asn; replaces aspartic acid 681 with asparagine.
Molecular consequence: missense variant.
Genome position (GRCh38, 1-based): chr19:45,352,511, C>T on the plus strand (G>A on the coding strand, the complement: ERCC2 is on the minus strand). VCF-style: chr19-45352511-C-T. GRCh37 (hg19) VCF-style: chr19-45855769-C-T.
Other names: c.2041G>A (NM_000400.3); short protein forms D681N.
Identifiers: ClinVar variation 16787 (VCV000016787.15), dbSNP rs121913023, ClinGen allele CA126889.